The following is an entry in ClinVar:

NM_000059.4(BRCA2):c.4154C>A (p.Ser1385Ter)

Gene: BRCA2 (BRCA2 DNA repair associated; plus strand). Cytogenetic location: 13q13.1.
Variant type: single nucleotide variant.
Coding change: c.4154C>A on transcript NM_000059.4 (MANE Select); coding-DNA position 4154, C replaced by A.
Protein change: p.Ser1385Ter; replaces serine 1385 with a stop codon.
Molecular consequence: nonsense.
Genome position (GRCh38, 1-based): chr13:32,338,509, C>A. VCF-style: chr13-32338509-C-A. GRCh37 (hg19) VCF-style: chr13-32912646-C-A.
Other names: short protein forms S1385*.
Identifiers: ClinVar variation 254531 (VCV000254531.4), dbSNP rs886038101, ClinGen allele CA10586520.

ClinVar aggregate classification (germline): Pathogenic. Review status: reviewed by expert panel (3 of 4 stars). 4 submissions from 4 submitters: Pathogenic (1). 3 of the submissions do not count toward it. Last evaluated 2016-09-08.

Conditions:
Breast-ovarian cancer, familial, susceptibility to, 2 (BROVCA2). Also called: BRCA2 Hereditary Breast and Ovarian Cancer. Identifiers: Orphanet 145, MedGen C2675520, MONDO:0012933, OMIM 612555. Disease mechanism: loss of function.

Submissions (4):

Evidence-based Network for the Interpretation of Germline Mutant Alleles (ENIGMA)
Classification: Pathogenic for Breast-ovarian cancer, familial, susceptibility to, 2. Last evaluated: 2016-09-08. Review status: reviewed by expert panel. Criteria: ENIGMA BRCA1/2 Classification Criteria (2015). Collection method: curation. Allele origin: germline.
Comment: Variant allele predicted to encode a truncated non-functional protein.

Consortium of Investigators of Modifiers of BRCA1/2 (CIMBA), c/o University of Cambridge
Classification: Pathogenic for Breast-ovarian cancer, familial, susceptibility to, 2. Last evaluated: 2015-10-02. Review status: criteria provided, single submitter. Criteria: CIMBA Mutation Classification guidelines May 2016. Collection method: clinical testing. Allele origin: germline. Not counted in ClinVar's aggregate classification.

Genome Diagnostics Laboratory, University Medical Center Utrecht
Classification: Pathogenic for Breast-ovarian cancer, familial, susceptibility to, 2. Last evaluated: 2014-10-08. Review status: criteria provided, single submitter. Criteria: ACGS Guidelines, 2013. Collection method: clinical testing. Allele origin: germline. Affected: yes. Study: VKGL Data-share Consensus. Not counted in ClinVar's aggregate classification.

Diagnostic Laboratory, Department of Genetics, University Medical Center Groningen
Classification: Pathogenic for Breast-ovarian cancer, familial, susceptibility to, 2. Review status: no assertion criteria provided. Collection method: clinical testing. Allele origin: germline. Affected: yes. Study: VKGL Data-share Consensus. Not counted in ClinVar's aggregate classification.